The following is an entry in ClinVar:

ClinVar aggregate classification (germline): Uncertain significance (1 of 4 stars; one submission).

Submission:

Labcorp Genetics (formerly Invitae), Labcorp
Classification: Uncertain significance. Last evaluated: 2022-09-27. Review status: criteria provided, single submitter. Criteria: Invitae Variant Classification Sherloc (09022015). Collection method: clinical testing. Allele origin: germline.
Comment: In summary, the available evidence is currently insufficient to determine the role of this variant in disease. Therefore, it has been classified as a Variant of Uncertain Significance. Advanced modeling of protein sequence and biophysical properties (such as structural, functional, and spatial information, amino acid conservation, physicochemical variation, residue mobility, and thermodynamic stability) performed at Invitae indicates that this missense variant is expected to disrupt CNNM4 protein function. ClinVar contains an entry for this variant (Variation ID: 1503422). This variant has not been reported in the literature in individuals affected with CNNM4-related conditions. This variant is not present in population databases (gnomAD no frequency). This sequence change replaces proline, which is neutral and non-polar, with serine, which is neutral and polar, at codon 432 of the CNNM4 protein (p.Pro432Ser).

NM_020184.4(CNNM4):c.1294C>T (p.Pro432Ser)

Gene: CNNM4 (cyclin and CBS domain divalent metal cation transport mediator 4; plus strand). Cytogenetic location: 2q11.2.
Variant type: single nucleotide variant.
Coding change: c.1294C>T on transcript NM_020184.4 (MANE Select); coding-DNA position 1294, C replaced by T.
Protein change: p.Pro432Ser; replaces proline 432 with serine.
Molecular consequence: missense variant.
Genome position (GRCh38, 1-based): chr2:96,762,293, C>T. VCF-style: chr2-96762293-C-T. GRCh37 (hg19) VCF-style: chr2-97428030-C-T.
Other names: short protein forms P432S.
Identifiers: ClinVar variation 1503422 (VCV001503422.8), dbSNP rs1318657458, ClinGen allele CA347717305.